The following is an entry in ClinVar:

ClinVar aggregate classification (germline): Uncertain significance (1 of 4 stars; one submission).

Allele frequency attached by ClinVar (database versions not stated): TOPMed below 0.00001; gnomAD 0.00001.
gnomAD v4.1: 19 of 1,612,340 alleles (0.0012%); highest among the groups gnomAD compares: East Asian, 0.0022%; no homozygotes.

Submission:

Labcorp Genetics (formerly Invitae), Labcorp
Classification: Uncertain significance. Last evaluated: 2024-10-24. Review status: criteria provided, single submitter. Criteria: Invitae Variant Classification Sherloc (09022015). Collection method: clinical testing. Allele origin: germline.
Comment: This sequence change replaces arginine, which is basic and polar, with cysteine, which is neutral and slightly polar, at codon 341 of the MPDZ protein (p.Arg341Cys). This variant is present in population databases (no rsID available, gnomAD 0.005%). This variant has not been reported in the literature in individuals affected with MPDZ-related conditions. ClinVar contains an entry for this variant (Variation ID: 1906753). An algorithm developed to predict the effect of missense changes on protein structure and function (PolyPhen-2) suggests that this variant is likely to be tolerated. In summary, the available evidence is currently insufficient to determine the role of this variant in disease. Therefore, it has been classified as a Variant of Uncertain Significance.

NM_001378778.1(MPDZ):c.1021C>T (p.Arg341Cys)

Gene: MPDZ (multiple PDZ domain crumbs cell polarity complex component; minus strand). Cytogenetic location: 9p23.
Variant type: single nucleotide variant.
Coding change: c.1021C>T on transcript NM_001378778.1 (MANE Select); coding-DNA position 1021, C replaced by T.
Protein change: p.Arg341Cys; replaces arginine 341 with cysteine.
Molecular consequence: missense variant.
Genome position (GRCh38, 1-based): chr9:13,219,624, G>A on the plus strand (C>T on the coding strand, the complement: MPDZ is on the minus strand). VCF-style: chr9-13219624-G-A. GRCh37 (hg19) VCF-style: chr9-13219623-G-A.
Other names: c.1021C>T, p.Arg341Cys (NM_001261406.2, NM_001261407.2, NM_001330637.2 and 14 more transcripts); short protein forms R341C.
Identifiers: ClinVar variation 1906753 (VCV001906753.5), dbSNP rs529758745, ClinGen allele CA372945588.